The following is an entry in ClinVar:

ClinVar aggregate classification (germline): Uncertain significance (1 of 4 stars; one submission).

Submission:

Labcorp Genetics (formerly Invitae), Labcorp
Classification: Uncertain significance. Last evaluated: 2023-10-06. Review status: criteria provided, single submitter. Criteria: Invitae Variant Classification Sherloc (09022015). Collection method: clinical testing. Allele origin: germline.
Comment: This sequence change replaces threonine, which is neutral and polar, with alanine, which is neutral and non-polar, at codon 97 of the CRKL protein (p.Thr97Ala). This variant is not present in population databases (gnomAD no frequency). This variant has not been reported in the literature in individuals affected with CRKL-related conditions. An algorithm developed to predict the effect of missense changes on protein structure and function (PolyPhen-2) suggests that this variant is likely to be tolerated. In summary, the available evidence is currently insufficient to determine the role of this variant in disease. Therefore, it has been classified as a Variant of Uncertain Significance.

NM_005207.4(CRKL):c.289A>G (p.Thr97Ala)

Gene: CRKL (CRK like proto-oncogene, adaptor protein; plus strand). Cytogenetic location: 22q11.21.
Variant type: single nucleotide variant.
Coding change: c.289A>G on transcript NM_005207.4 (MANE Select); coding-DNA position 289, A replaced by G.
Protein change: p.Thr97Ala; replaces threonine 97 with alanine.
Molecular consequence: missense variant. On other transcripts: non-coding transcript variant (1).
Genome position (GRCh38, 1-based): chr22:20,918,223, A>G. VCF-style: chr22-20918223-A-G. GRCh37 (hg19) VCF-style: chr22-21272511-A-G.
Other names: short protein forms T97A.
Identifiers: ClinVar variation 2764717 (VCV002764717.3), dbSNP rs2147892080, ClinGen allele CA410766224.